The following is an entry in ClinVar:

NM_001297.5(CNGB1):c.2762_2765del (p.Tyr921fs)

Gene: CNGB1 (cyclic nucleotide gated channel subunit beta 1; minus strand). Cytogenetic location: 16q21.
Variant type: Deletion.
Coding change: c.2762_2765del on transcript NM_001297.5 (MANE Select); coding-DNA positions 2762 to 2765, 4 bases deleted (ACGA; older notation c.2762_2765delACGA).
Protein change: p.Tyr921fs; shifts the reading frame from tyrosine 921.
Molecular consequence: frameshift variant.
Genome position (GRCh38, 1-based): chr16:57,903,851-57,903,854, TCGT deleted on the plus strand (ACGA on the coding strand, the reverse complement: CNGB1 is on the minus strand). VCF-style (leftmost placement, unchanged base first): chr16-57903850-CTCGT-C. GRCh37 (hg19) VCF-style: chr16-57937754-CTCGT-C.
Other names: c.2744_2747del, p.Tyr915fs (NM_001286130.2); short protein forms Y921fs, Y915fs.
Identifiers: ClinVar variation 420197 (VCV000420197.7), dbSNP rs1064794342, ClinGen allele CA16620217.

ClinVar aggregate classification (germline): Pathogenic/Likely pathogenic. Review status: criteria provided, multiple submitters, no conflicts (2 of 4 stars). 4 submissions from 4 submitters: Pathogenic (2); Likely pathogenic (2). Last evaluated 2025-01-06.

Conditions:
CNGB1-related retinopathy. Identifiers: MedGen CN322609, MONDO:0800403.
Retinitis pigmentosa 45 (RP45). Identifiers: Orphanet 791, MedGen C3151066, MONDO:0013413, OMIM 613767.

Allele frequency attached by ClinVar (database versions not stated): gnomAD exomes below 0.00001.

Submissions (4):

Labcorp Genetics (formerly Invitae), Labcorp
Classification: Pathogenic. Last evaluated: 2025-01-06. Review status: criteria provided, single submitter. Criteria: Invitae Variant Classification Sherloc (09022015). Collection method: clinical testing. Allele origin: germline.
Comment: This sequence change creates a premature translational stop signal (p.Tyr921Cysfs*15) in the CNGB1 gene. It is expected to result in an absent or disrupted protein product. Loss-of-function variants in CNGB1 are known to be pathogenic (PMID: 15557452, 24043777). This variant is not present in population databases (gnomAD no frequency). This premature translational stop signal has been observed in individuals with CNGB1-related conditions (PMID: 28005958, 33576794). ClinVar contains an entry for this variant (Variation ID: 420197). For these reasons, this variant has been classified as Pathogenic.

Department of Pathology and Laboratory Medicine, Sinai Health System
Classification: Likely pathogenic for CNGB1-related retinopathy. Last evaluated: 2023-05-09. Review status: criteria provided, single submitter. Criteria: ACMG Guidelines, 2015. Collection method: research. Allele origin: germline.

Fulgent Genetics
Classification: Pathogenic for Retinitis pigmentosa 45. Last evaluated: 2022-02-24. Review status: criteria provided, single submitter. Criteria: ACMG Guidelines, 2015. Collection method: clinical testing. Allele origin: unknown.

GeneDx
Classification: Likely pathogenic. Last evaluated: 2015-12-11. Review status: criteria provided, single submitter. Criteria: GeneDx Variant Classification (06012015). Collection method: clinical testing. Allele origin: germline. Affected: yes.
Comment: The c.2762_2765delACGA variant in the CNGB1 gene has not been reported previously as a pathogenic variant nor as a benign variant, to our knowledge. The c.2762_2765delACGA variant causes a frameshift starting with codon Tyrosine 921, changes this amino acid to a Cysteine residue, and creates a premature Stop codon at position 15 of the new reading frame, denoted p.Tyr921CysfsX15. This variant is predicted to cause loss of normal protein function either through protein truncation or nonsense-mediated mRNA decay. The c.2762_2765delACGA variant was not observed in approximately 6300 individuals of European and African American ancestry in the NHLBI Exome Sequencing Project, indicating it is not a common benign variant in these populations. The c.2762_2765delACGA variant is a strong candidate for a pathogenic variant, however the possibility it may be a rare benign variant cannot be excluded.

Literature cited by the submitters: PubMed 15557452 (cited by Labcorp Genetics (formerly Invitae), Labcorp); PubMed 24043777 (cited by Labcorp Genetics (formerly Invitae), Labcorp); PubMed 28005958 (cited by Labcorp Genetics (formerly Invitae), Labcorp); PubMed 33576794 (cited by Labcorp Genetics (formerly Invitae), Labcorp).